The following is an entry in ClinVar:

ClinVar aggregate classification (germline): Likely pathogenic (1 of 4 stars; one submission).

Conditions:
Agenesis of the corpus callosum with peripheral neuropathy (ACCPN). Also called: CHARLEVOIX DISEASE; POLYNEUROPATHY, SENSORIMOTOR, WITH OR WITHOUT AGENESIS OF THE CORPUS CALLOSUM; HMSN/ACC; Hereditary Motor and Sensory Neuropathy with Agenesis of the Corpus Callosum. Identifiers: Orphanet 1496, MedGen C0795950, MONDO:0000902, OMIM 218000. Disease mechanism: loss of function.

Submission:

Natera, Inc.
Classification: Likely pathogenic for Andermann syndrome. Last evaluated: 2025-05-29. Review status: criteria provided, single submitter. Criteria: Natera Variant Classification Schema (03/2026). Collection method: clinical testing. Allele origin: germline.
Comment: The c.618dup variant in SLC12A6 is a frameshift variant predicted to shift the reading frame beginning at codon 207 and leads to a stop codon 38 codons downstream. This variant is expected to result in nonsense mediated decay, truncation, or a dysfunctional protein product. This variant is rare in the general population with a frequency below the threshold expected for the associated phenotype(s). Given the available evidence, this variant is classified as Likely Pathogenic.

NM_001365088.1(SLC12A6):c.618dup (p.Arg207fs)

Genes: SLC12A6 (solute carrier family 12 member 6; minus strand), LOC129390683 (MPRA-validated peak2292 silencer; plus strand). Cytogenetic location: 15q14.
Variant type: Duplication.
Coding change: c.618dup on transcript NM_001365088.1 (MANE Select); coding-DNA position 618, one base duplicated (A; older notation c.618dupA).
Protein change: p.Arg207fs; shifts the reading frame from arginine 207.
Molecular consequence: frameshift variant.
Genome position (GRCh38, 1-based): chr15:34,257,714, T duplicated on the plus strand (A on the coding strand, the reverse complement: SLC12A6 is on the minus strand). VCF-style (leftmost placement, unchanged base first): chr15-34257713-G-GT. GRCh37 (hg19) VCF-style: chr15-34549914-G-GT.
Other names: c.441dup, p.Arg148fs (NM_001042494.2, NM_001042495.2); c.591dup, p.Arg198fs (NM_001042496.2); c.573dup, p.Arg192fs (NM_001042497.2); c.465dup, p.Arg156fs (NM_005135.2); c.618dup, p.Arg207fs (NM_133647.2); short protein forms R148fs, R156fs, R192fs, R198fs, R207fs.
Identifiers: ClinVar variation 4061441 (VCV004061441.2).